The following is an entry in ClinVar:

NM_000497.4(CYP11B1):c.1108A>C (p.Lys370Gln)

Genes: CYP11B1 (cytochrome P450 family 11 subfamily B member 1; minus strand), LOC106799833 (CYP11B1 recombination region; plus strand). Cytogenetic location: 8q24.3.
Variant type: single nucleotide variant.
Coding change: c.1108A>C on transcript NM_000497.4 (MANE Select); coding-DNA position 1108, A replaced by C.
Protein change: p.Lys370Gln; replaces lysine 370 with glutamine.
Molecular consequence: missense variant.
Genome position (GRCh38, 1-based): chr8:142,875,725, T>G on the plus strand (A>C on the coding strand, the complement: CYP11B1 is on the minus strand). VCF-style: chr8-142875725-T-G. GRCh37 (hg19) VCF-style: chr8-143957141-T-G.
Other names: c.1108A>C, p.Lys370Gln (NM_001026213.1); short protein forms K370Q.
Identifiers: ClinVar variation 3896641 (VCV003896641.2).

ClinVar aggregate classification (germline): Uncertain significance (1 of 4 stars; one submission).

Submission:

Women's Health and Genetics/Laboratory Corporation of America, LabCorp
Classification: Uncertain significance. Last evaluated: 2025-04-30. Review status: criteria provided, single submitter. Criteria: LabCorp Variant Classification Summary - May 2015. Collection method: clinical testing. Allele origin: germline.
Comment: Variant summary: CYP11B1 c.1108A>C (p.Lys370Gln) results in a conservative amino acid change in the encoded protein sequence. Four of five in-silico tools predict a damaging effect of the variant on protein function. The variant was absent in 249540 control chromosomes. The available data on variant occurrences in the general population are insufficient to allow any conclusion about variant significance. This report does not provide unequivocal conclusions about association of the variant with Congenital Adrenal Hyperplasia. To our knowledge, no experimental evidence demonstrating an impact on protein function has been reported. The following publication has been ascertained in the context of this evaluation (PMID: 34697763). No submitters have cited clinical-significance assessments for this variant to ClinVar. Based on the evidence outlined above, the variant was classified as uncertain significance.

Literature cited by the submitters: PubMed 34697763.